The following is an entry in ClinVar:

NM_015570.4(AUTS2):c.1518G>A (p.Gln506=)

Gene: AUTS2 (activator of transcription and developmental regulator AUTS2; plus strand). Cytogenetic location: 7q11.22.
Variant type: single nucleotide variant.
Coding change: c.1518G>A on transcript NM_015570.4 (MANE Select); coding-DNA position 1518, G replaced by A.
Protein change: p.Gln506=; no amino-acid change (glutamine 506 retained).
Molecular consequence: synonymous variant.
Genome position (GRCh38, 1-based): chr7:70,766,163, G>A. VCF-style: chr7-70766163-G-A. GRCh37 (hg19) VCF-style: chr7-70231149-G-A.
Other names: c.1518G>A (NM_015570.3); c.1518G>A, p.Gln506= (NM_001127231.3).
Identifiers: ClinVar variation 1803653 (VCV001803653.6), dbSNP rs756197195, ClinGen allele CA4280690.
Genomic context (GRCh38, chr7:70,766,163, plus strand): 5'-TTCTCTTCCAGAGCAAGACATCTTGCGACAGGAACTGAACACTCGTTTTTTGGCCTCTCA[G>A]AGTGCTGACCGCGGGGCTTCCCTGGGCCCTCCGCCCTACCTGCGGACCGAGTTCCATCAG-3'
Protein context (NP_056385.1, residues 496-516): QELNTRFLAS[Gln506=]SADRGASLGP

ClinVar aggregate classification (germline): Likely benign. Review status: criteria provided, multiple submitters, no conflicts (2 of 4 stars). 3 submissions from 3 submitters: Likely benign (2). 1 of the submissions does not count toward it. Last evaluated 2025-08-18.

Conditions:
AUTS2-related disorder. Also called: AUTS2-related condition.

Allele frequency attached by ClinVar (database versions not stated): ExAC 0.00002; gnomAD exomes 0.00001; TOPMed 0.00003.
gnomAD v4.1: 9 of 1,614,026 alleles (0.00056%); highest among the groups gnomAD compares: Admixed American, 0.0083%; no homozygotes.

Submissions (3):

Labcorp Genetics (formerly Invitae), Labcorp
Classification: Likely benign. Last evaluated: 2025-08-18. Review status: criteria provided, single submitter. Criteria: Invitae Variant Classification Sherloc (09022015). Collection method: clinical testing. Allele origin: germline.

GeneDx
Classification: Likely benign. Last evaluated: 2022-06-23. Review status: criteria provided, single submitter. Criteria: GeneDx Variant Classification Process June 2021. Collection method: clinical testing. Allele origin: germline. Affected: yes.
Comment: Has not been previously published as pathogenic or benign to our knowledge; In-silico analysis is inconclusive as to whether the variant alters gene splicing. In the absence of RNA/functional studies, the actual effect of this sequence change is unknown.

PreventionGenetics, part of Exact Sciences
Classification: Likely benign for AUTS2-related condition. Last evaluated: 2022-11-29. Review status: no assertion criteria provided. Collection method: clinical testing. Allele origin: germline. Not counted in ClinVar's aggregate classification.
Comment: This variant is classified as likely benign based on ACMG/AMP sequence variant interpretation guidelines (Richards et al. 2015 PMID: 25741868, with internal and published modifications).